The following is an entry in ClinVar:

ClinVar aggregate classification (germline): Likely benign (0 of 4 stars; one submission).

Conditions:
NF1-related disorder. Also called: NF1-related condition. Identifiers: MedGen CN379171.

Allele frequency attached by ClinVar (database versions not stated): 1000 Genomes Project 0.00040; 1000 Genomes Project 30x 0.00047; gnomAD exomes 0.00006.
gnomAD v4.1: 94 of 1,443,012 alleles (0.0065%); highest among the groups gnomAD compares: East Asian, 0.2%; no homozygotes.

Submission:

PreventionGenetics, part of Exact Sciences
Classification: Likely benign for NF1-related condition. Last evaluated: 2022-04-20. Review status: no assertion criteria provided. Collection method: clinical testing. Allele origin: germline.
Comment: This variant is classified as likely benign based on ACMG/AMP sequence variant interpretation guidelines (Richards et al. 2015 PMID: 25741868, with internal and published modifications).

NM_001042492.3(NF1):c.8114-60T>C

Gene: NF1 (neurofibromin 1; plus strand). Cytogenetic location: 17q11.2.
Variant type: single nucleotide variant.
Coding change: c.8114-60T>C on transcript NM_001042492.3 (MANE Select); 60 bases into the intron before coding-DNA position 8114, T replaced by C.
Molecular consequence: intron variant.
Genome position (GRCh38, 1-based): chr17:31,358,909, T>C. VCF-style: chr17-31358909-T-C. GRCh37 (hg19) VCF-style: chr17-29685927-T-C.
Other names: c.8051-60T>C (NM_000267.4).
Identifiers: ClinVar variation 3057102 (VCV003057102.2), dbSNP rs76541334, ClinGen allele CA289711088.